The following is an entry in ClinVar:

ClinVar aggregate classification (germline): Likely benign. Review status: criteria provided, multiple submitters, no conflicts (2 of 4 stars). 2 submissions from 2 submitters: Likely benign (2). Last evaluated 2021-10-06.

Conditions:
Familial thoracic aortic aneurysm and aortic dissection (TAAD). Also called: Thoracic aortic aneurysms and dissections. Identifiers: Orphanet 91387, MedGen C4707243, MONDO:0019625.

Allele frequency attached by ClinVar (database versions not stated): gnomAD exomes below 0.00001.
gnomAD v4.1: 1 of 1,614,200 alleles (0.000062%); highest among the groups gnomAD compares: Non-Finnish European, 0.000085%; no homozygotes.

Submissions (2):

Ambry Genetics
Classification: Likely benign for Familial thoracic aortic aneurysm and aortic dissection. Last evaluated: 2021-10-06. Review status: criteria provided, single submitter. Criteria: Ambry Variant Classification Scheme 2023. Collection method: clinical testing. Allele origin: germline.

GeneDx
Classification: Likely benign. Last evaluated: 2016-10-31. Review status: criteria provided, single submitter. Criteria: GeneDx Variant Classification (06012015). Collection method: clinical testing. Allele origin: germline. Affected: yes.
Comment: This variant is considered likely benign or benign based on one or more of the following criteria: it is a conservative change, it occurs at a poorly conserved position in the protein, it is predicted to be benign by multiple in silico algorithms, and/or has population frequency not consistent with disease.

NM_000138.5(FBN1):c.3024T>C (p.Cys1008=)

Gene: FBN1 (fibrillin 1; minus strand). Cytogenetic location: 15q21.1.
Variant type: single nucleotide variant.
Coding change: c.3024T>C on transcript NM_000138.5 (MANE Select); coding-DNA position 3024, T replaced by C.
Protein change: p.Cys1008=; no amino-acid change (cysteine 1008 retained).
Molecular consequence: synonymous variant.
Genome position (GRCh38, 1-based): chr15:48,489,909, A>G on the plus strand (T>C on the coding strand, the complement: FBN1 is on the minus strand). VCF-style: chr15-48489909-A-G. GRCh37 (hg19) VCF-style: chr15-48782106-A-G.
Identifiers: ClinVar variation 390138 (VCV000390138.3), dbSNP rs1057523654, ClinGen allele CA16606718.
Genomic context (GRCh38, chr15:48,489,909, plus strand): 5'-ACCTTTGAAGAAAGGCTTTCCATTTGTAATTTCTTTTGTGGCAAATCCGGGTCCTCTCGG[A>G]CACAGCTCCTCGTACTCAGGAGTATTTCTCATGGGACACTCCTCGCATTCCTCAGTACCC-3'
Protein context (NP_000129.3, residues 998-1018): MRNTPEYEEL[Cys1008=]PRGPGFATKE